The following is an entry in ClinVar:

ClinVar aggregate classification (germline): Uncertain significance. Review status: criteria provided, multiple submitters, no conflicts (2 of 4 stars). 2 submissions from 2 submitters: Uncertain significance (2). Last evaluated 2025-07-30.

Conditions:
Inborn genetic diseases. Identifiers: MedGen C0950123, MeSH D030342.

Allele frequency attached by ClinVar (database versions not stated): ExAC 0.00002; gnomAD 0.00002; TOPMed 0.00004; ESP Exome Variant Server 0.00008.

Submissions (2):

Labcorp Genetics (formerly Invitae), Labcorp
Classification: Uncertain significance. Last evaluated: 2025-07-30. Review status: criteria provided, single submitter. Criteria: Invitae Variant Classification Sherloc (09022015). Collection method: clinical testing. Allele origin: germline.
Comment: This sequence change replaces arginine, which is basic and polar, with tryptophan, which is neutral and slightly polar, at codon 291 of the PLVAP protein (p.Arg291Trp). This variant is present in population databases (rs141514915, gnomAD 0.004%). This variant has not been reported in the literature in individuals affected with PLVAP-related conditions. ClinVar contains an entry for this variant (Variation ID: 2139596). Invitae Evidence Modeling of protein sequence and biophysical properties (such as structural, functional, and spatial information, amino acid conservation, physicochemical variation, residue mobility, and thermodynamic stability) indicates that this missense variant is expected to disrupt PLVAP protein function with a positive predictive value of 80%. In summary, the available evidence is currently insufficient to determine the role of this variant in disease. Therefore, it has been classified as a Variant of Uncertain Significance.

Ambry Genetics
Classification: Uncertain significance for Inborn genetic diseases. Last evaluated: 2024-11-15. Review status: criteria provided, single submitter. Criteria: Ambry Variant Classification Scheme 2023. Collection method: clinical testing. Allele origin: germline.

NM_031310.3(PLVAP):c.871C>T (p.Arg291Trp)

Gene: PLVAP (plasmalemma vesicle associated protein; minus strand). Cytogenetic location: 19p13.11.
Variant type: single nucleotide variant.
Coding change: c.871C>T on transcript NM_031310.3 (MANE Select); coding-DNA position 871, C replaced by T.
Protein change: p.Arg291Trp; replaces arginine 291 with tryptophan.
Molecular consequence: missense variant.
Genome position (GRCh38, 1-based): chr19:17,365,594, G>A on the plus strand (C>T on the coding strand, the complement: PLVAP is on the minus strand). VCF-style: chr19-17365594-G-A. GRCh37 (hg19) VCF-style: chr19-17476403-G-A.
Other names: c.871C>T (NM_031310.1); short protein forms R291W.
Identifiers: ClinVar variation 2139596 (VCV002139596.4), dbSNP rs141514915, ClinGen allele CA9293947.